The following is an entry in ClinVar:

NM_001377.3(DYNC2H1):c.3127C>T (p.Arg1043Cys)

Gene: DYNC2H1 (dynein cytoplasmic 2 heavy chain 1; plus strand). Cytogenetic location: 11q22.3.
Variant type: single nucleotide variant.
Coding change: c.3127C>T on transcript NM_001377.3 (MANE Select); coding-DNA position 3127, C replaced by T.
Protein change: p.Arg1043Cys; replaces arginine 1043 with cysteine.
Molecular consequence: missense variant.
Genome position (GRCh38, 1-based): chr11:103,153,333, C>T. VCF-style: chr11-103153333-C-T. GRCh37 (hg19) VCF-style: chr11-103024062-C-T.
Other names: c.3127C>T, p.Arg1043Cys (NM_001080463.2); c.3127C>T (NM_001080463.1); short protein forms R1043C.
Identifiers: ClinVar variation 2152745 (VCV002152745.4), dbSNP rs1275293030, ClinGen allele CA382271813.

ClinVar aggregate classification (germline): Uncertain significance. Review status: criteria provided, multiple submitters, no conflicts (2 of 4 stars). 3 submissions from 3 submitters: Uncertain significance (2). 1 of the submissions does not count toward it. Last evaluated 2026-03-02.

Conditions:
Retinal dystrophy. Also called: Inherited retinal dystrophy. Identifiers: Orphanet 71862, MedGen C0854723, MeSH D058499, MONDO:0019118, HP:0000556.
Inborn genetic diseases. Identifiers: MedGen C0950123, MeSH D030342.
Jeune thoracic dystrophy. Also called: Jeune syndrome; Infantile thoracic dystrophy; Thoracic pelvic phalangeal dystrophy; Jeune's syndrome; Chondroectodermal dysplasia-like syndrome; Short-rib thoracic dysplasia. Identifiers: Orphanet 474, MedGen C0265275, MONDO:0018770.

Allele frequency attached by ClinVar (database versions not stated): gnomAD exomes 0.00001; TOPMed 0.00001.
gnomAD v4.1: 18 of 1,540,706 alleles (0.0012%); highest among the groups gnomAD compares: Admixed American, 0.0021%; no homozygotes.

Submissions (3):

Ambry Genetics
Classification: Uncertain significance for Inborn genetic diseases. Last evaluated: 2026-03-02. Review status: criteria provided, single submitter. Criteria: Ambry Variant Classification Scheme 2023. Collection method: clinical testing. Allele origin: germline.

Labcorp Genetics (formerly Invitae), Labcorp
Classification: Uncertain significance for Jeune thoracic dystrophy. Last evaluated: 2022-04-07. Review status: criteria provided, single submitter. Criteria: Invitae Variant Classification Sherloc (09022015). Collection method: clinical testing. Allele origin: germline.
Comment: This sequence change replaces arginine, which is basic and polar, with cysteine, which is neutral and slightly polar, at codon 1043 of the DYNC2H1 protein (p.Arg1043Cys). The frequency data for this variant in the population databases is considered unreliable, as metrics indicate poor data quality at this position in the gnomAD database. This variant has not been reported in the literature in individuals affected with DYNC2H1-related conditions. Advanced modeling of protein sequence and biophysical properties (such as structural, functional, and spatial information, amino acid conservation, physicochemical variation, residue mobility, and thermodynamic stability) performed at Invitae indicates that this missense variant is not expected to disrupt DYNC2H1 protein function. In summary, the available evidence is currently insufficient to determine the role of this variant in disease. Therefore, it has been classified as a Variant of Uncertain Significance.

Institute of Human Genetics, Univ. Regensburg, Univ. Regensburg
Classification: Uncertain significance for Retinal dystrophy. Last evaluated: 2023-01-01. Review status: no assertion criteria provided. Criteria: ACMG Guidelines, 2015. Collection method: clinical testing. Allele origin: germline. Affected: yes. Not counted in ClinVar's aggregate classification.